The following is an entry in ClinVar:

ClinVar aggregate classification (germline): Uncertain significance (1 of 4 stars; one submission).

Conditions:
Cholestasis, progressive familial intrahepatic, 4. Identifiers: Orphanet 480483, Orphanet 79304, MedGen C2931067, MONDO:0014381, OMIM 615878.

gnomAD v4.1: 2 of 1,614,172 alleles (0.00012%); highest among the groups gnomAD compares: South Asian, 0.0022%; no homozygotes.

Submission:

Neuberg Centre For Genomic Medicine, NCGM
Classification: Uncertain significance for Cholestasis, progressive familial intrahepatic, 4. Last evaluated: 2023-06-22. Review status: criteria provided, single submitter. Criteria: ACMG Guidelines, 2015. Collection method: clinical testing. Allele origin: germline. Inheritance: Autosomal recessive inheritance. Affected: yes.
Comment: The observed missense c.1356G>A(p.Met452Ile) variant in TJP2 gene has not been reported previously as a pathogenic variant nor as a benign variant, to our knowledge. This variant is reported with the allele frequency of 0.0004% in the gnomAD Exomes. The amino acid Met at position 452 is changed to a Ile changing protein sequence and it might alter its composition and physico-chemical properties. The amino acid change p.Met452Ile in TJP2 is predicted as conserved by GERP++ and PhyloP across 100 vertebrates. Computational evidence (Polyphen - Damaging/Benign, SIFT - Tolerated, and MutationTaster - Disease causing) predicts conflicting evidence on protein structure and function for this variant. For these reasons, this variant has been classified as Uncertain Significance.

NM_004817.4(TJP2):c.1356G>A (p.Met452Ile)

Gene: TJP2 (tight junction protein 2; plus strand). Cytogenetic location: 9q21.11.
Variant type: single nucleotide variant.
Coding change: c.1356G>A on transcript NM_004817.4 (MANE Select); coding-DNA position 1356, G replaced by A.
Protein change: p.Met452Ile; replaces methionine 452 with isoleucine.
Molecular consequence: missense variant.
Genome position (GRCh38, 1-based): chr9:69,228,017, G>A. VCF-style: chr9-69228017-G-A. GRCh37 (hg19) VCF-style: chr9-71842933-G-A.
Other names: c.1287G>A, p.Met429Ile (NM_001170414.2, NM_001369871.1); c.1368G>A, p.Met456Ile (NM_001170415.1, NM_001369874.1, NM_001369875.1); c.1449G>A, p.Met483Ile (NM_001170416.2); c.1281G>A, p.Met427Ile (NM_001369870.1); c.1356G>A, p.Met452Ile (NM_001369872.1, NM_001369873.1, NM_201629.3); short protein forms M427I, M429I, M452I, M456I, M483I.
Identifiers: ClinVar variation 3377631 (VCV003377631.1).